The following is an entry in ClinVar:

ClinVar aggregate classification (germline): Benign (1 of 4 stars; one submission).

Conditions:
Heterotaxy, visceral, 4, autosomal (HTX4). Identifiers: Orphanet 450, MedGen C3151057, MONDO:0013403, OMIM 613751.

Allele frequency attached by ClinVar (database versions not stated): gnomAD 0.00605; TOPMed 0.00627; 1000 Genomes Project 0.00759; 1000 Genomes Project 30x 0.00812.

Submission:

Illumina Laboratory Services, Illumina
Classification: Benign for Heterotaxy, visceral, 4, autosomal. Last evaluated: 2018-01-13. Review status: criteria provided, single submitter. Criteria: ICSL Variant Classification Criteria 13 December 2019. Collection method: clinical testing. Allele origin: germline.
Comment: This variant was observed in the ICSL laboratory as part of a predisposition screen in an ostensibly healthy population. It had not been previously curated by ICSL or reported in the Human Gene Mutation Database (HGMD: prior to June 1st, 2018), and was therefore a candidate for classification through an automated scoring system. Utilizing variant allele frequency, disease prevalence and penetrance estimates, and inheritance mode, an automated score was calculated to assess if this variant is too frequent to cause the disease. Based on the score and internal cut-off values, a variant classified as benign is not then subjected to further curation. The score for this variant resulted in a classification of benign for this disease.

NM_001106.4(ACVR2B):c.*8187G>A

Gene: ACVR2B (activin A receptor type 2B; plus strand). Cytogenetic location: 3p22.2.
Variant type: single nucleotide variant.
Coding change: c.*8187G>A on transcript NM_001106.4 (MANE Select); 8187 bases downstream of the stop codon, G replaced by A.
Molecular consequence: 3 prime UTR variant.
Genome position (GRCh38, 1-based): chr3:38,491,519, G>A. VCF-style: chr3-38491519-G-A. GRCh37 (hg19) VCF-style: chr3-38533010-G-A.
Identifiers: ClinVar variation 345029 (VCV000345029.5), dbSNP rs116523268, ClinGen allele CA10616278.
Genomic context (GRCh38, chr3:38,491,519, plus strand): 5'-AGTCCCTGCAAGTGCTTTAGCCCGAGTGGGGTTTTCTCAGAGCACTGCCACGAGTTAAGT[G>A]TGTGTTTAGCCAAATAATTTCTCCGTAAGGGAAAAATGCAGTCACCCAAATTTTACCAAC-3'